The following is an entry in ClinVar:

ClinVar aggregate classification (germline): Likely pathogenic (1 of 4 stars; one submission).

Conditions:
Duchenne muscular dystrophy (DMD). Also called: Duchenne Muscular Dystrophy (DMD); MUSCULAR DYSTROPHY, PSEUDOHYPERTROPHIC PROGRESSIVE, DUCHENNE TYPE. Identifiers: Orphanet 98896, MedGen C0013264, MONDO:0010679, OMIM 310200.

Submission:

Labcorp Genetics (formerly Invitae), Labcorp
Classification: Likely pathogenic for Duchenne muscular dystrophy. Last evaluated: 2019-05-24. Review status: criteria provided, single submitter. Criteria: Invitae Variant Classification Sherloc (09022015). Collection method: clinical testing. Allele origin: germline.
Comment: This variant is an in-frame deletion of the genomic region encompassing exons 3-9 of the DMD gene. It preserves the integrity of the reading frame. A similar deletion of exons 3-9 has been reported in male individuals affected with Becker muscular dystrophy and asymptomatic male individuals with elevated creatine kinase (CK) (PMID: 19073314, 24835530, 25482253, Invitae). In summary, the currently available evidence indicates that the variant is pathogenic, but additional data are needed to prove that conclusively. Therefore, this variant has been classified as Likely Pathogenic.

Literature cited by the submitters: PubMed 24835530; PubMed 25482253; PubMed 19073314.

NC_000023.11:g.(?_32697860)_(32849830_?)del

Gene: DMD (dystrophin; minus strand). Cytogenetic location: Xp21.1.
Variant type: Deletion.
Identifiers: ClinVar variation 831345 (VCV000831345.1).